The following is an entry in ClinVar:

ClinVar aggregate classification (germline): Uncertain significance (1 of 4 stars; one submission).

gnomAD v4.1: 1 of 1,211,078 alleles (0.000083%); highest among the groups gnomAD compares: Admixed American, 0.0022%; no homozygotes.

Submission:

GeneDx
Classification: Uncertain significance. Last evaluated: 2024-03-29. Review status: criteria provided, single submitter. Criteria: GeneDx Variant Classification Process June 2021. Collection method: clinical testing. Allele origin: germline. Affected: yes.
Comment: In silico analysis supports that this missense variant has a deleterious effect on protein structure/function; Has not been previously published as pathogenic or benign to our knowledge

NM_001368397.1(FRMPD4):c.3370A>T (p.Arg1124Trp)

Gene: FRMPD4 (FERM and PDZ domain containing 4; plus strand). Cytogenetic location: Xp22.2.
Variant type: single nucleotide variant.
Coding change: c.3370A>T on transcript NM_001368397.1 (MANE Select); coding-DNA position 3370, A replaced by T.
Protein change: p.Arg1124Trp; replaces arginine 1124 with tryptophan.
Molecular consequence: missense variant.
Genome position (GRCh38, 1-based): chrX:12,718,196, A>T. VCF-style: chrX-12718196-A-T. GRCh37 (hg19) VCF-style: chrX-12736315-A-T.
Other names: c.3481A>T, p.Arg1161Trp (NM_001368395.3, NM_001368398.3); c.3376A>T, p.Arg1126Trp (NM_001368396.3); c.3361A>T, p.Arg1121Trp (NM_001368399.3); c.3250A>T, p.Arg1084Trp (NM_001368400.3); c.3346A>T, p.Arg1116Trp (NM_001368401.1, NM_001368402.3); c.3370A>T, p.Arg1124Trp (NM_014728.3); short protein forms R1084W, R1116W, R1121W, R1124W, R1126W, R1161W.
Identifiers: ClinVar variation 3371844 (VCV003371844.1).